The following is an entry in ClinVar:

ClinVar aggregate classification (germline): Uncertain significance (1 of 4 stars; one submission).

Conditions:
Intellectual disability, CASK-related, X-linked. Identifiers: MedGen CN043158.

Submission:

Labcorp Genetics (formerly Invitae), Labcorp
Classification: Uncertain significance for Mental retardation, CASK-related, X-linked. Last evaluated: 2019-06-05. Review status: criteria provided, single submitter. Criteria: Invitae Variant Classification Sherloc (09022015). Collection method: clinical testing. Allele origin: germline.
Comment: This variant results in a copy number gain of the genomic region encompassing exons 7-27 of the CASK gene. The 5' boundary is likely confined to intron 6. The 3' end of this event is unknown as it extends beyond the assayed region for this gene and therefore may encompass additional genes. As the precise location of this event is unknown, it may be in tandem or it may be located elsewhere in the genome. This variant has not been reported in the literature in individuals with CASK-related conditions. In summary, the available evidence is currently insufficient to determine the role of this variant in disease. Therefore, it has been classified as a Variant of Uncertain Significance.

NC_000023.11:g.(?_41520400)_(41665472_?)dup

Gene: CASK (calcium/calmodulin dependent serine protein kinase; minus strand). Cytogenetic location: Xp11.4.
Variant type: Duplication.
Identifiers: ClinVar variation 832803 (VCV000832803.1).